The following is an entry in ClinVar:

NM_000709.4(BCKDHA):c.114C>G (p.Pro38=)

Gene: BCKDHA (branched chain keto acid dehydrogenase E1 subunit alpha; plus strand). Cytogenetic location: 19q13.2.
Variant type: single nucleotide variant.
Coding change: c.114C>G on transcript NM_000709.4 (MANE Select); coding-DNA position 114, C replaced by G.
Protein change: p.Pro38=; no amino-acid change (proline 38 retained).
Molecular consequence: synonymous variant.
Genome position (GRCh38, 1-based): chr19:41,410,642, C>G. VCF-style: chr19-41410642-C-G. GRCh37 (hg19) VCF-style: chr19-41916547-C-G.
Other names: c.114C>G, p.Pro38= (NM_001164783.2).
Identifiers: ClinVar variation 93337 (VCV000093337.25), dbSNP rs11549935, ClinGen allele CA146866.

ClinVar aggregate classification (germline): Benign/Likely benign. Review status: criteria provided, multiple submitters, no conflicts (2 of 4 stars). 9 submissions from 9 submitters: Benign (6); Likely benign (1). 2 of the submissions do not count toward it. Last evaluated 2026-02-01.

Conditions:
Inborn genetic diseases. Identifiers: MedGen C0950123, MeSH D030342.
BCKDHA-related disorder. Also called: BCKDHA-related condition.
Maple syrup urine disease (MSUD). Identifiers: Orphanet 511, MedGen C0024776, MeSH D008375, MONDO:0009563. Disease mechanism: loss of function.
Maple syrup urine disease type 1A (MSUD1A). Also called: MSUD type 1A. Identifiers: MedGen C1855369, MONDO:0023691, OMIM 248600.

Allele frequency attached by ClinVar (database versions not stated): 1000 Genomes Project 0.00379; 1000 Genomes Project 30x 0.00422.
gnomAD v4.1: 1,563 of 1,614,136 alleles (0.097%); highest among the groups gnomAD compares: African/African-American, 1.8%; 17 homozygotes.

Submissions (9):

Labcorp Genetics (formerly Invitae), Labcorp
Classification: Benign for Maple syrup urine disease. Last evaluated: 2026-02-01. Review status: criteria provided, single submitter. Criteria: Invitae Variant Classification Sherloc (09022015). Collection method: clinical testing. Allele origin: germline.

ARUP Laboratories, Molecular Genetics and Genomics, ARUP Laboratories
Classification: Benign for Maple syrup urine disease type 1A. Last evaluated: 2023-11-06. Review status: criteria provided, single submitter. Criteria: ARUP Molecular Germline Variant Investigation Process 2024. Collection method: clinical testing. Allele origin: germline.

Ambry Genetics
Classification: Likely benign for Inborn genetic diseases. Last evaluated: 2022-05-06. Review status: criteria provided, single submitter. Criteria: Ambry Variant Classification Scheme 2023. Collection method: clinical testing. Allele origin: germline.

Illumina Laboratory Services, Illumina
Classification: Benign for Maple syrup urine disease type 1A. Last evaluated: 2017-05-24. Review status: criteria provided, single submitter. Criteria: ICSL Variant Classification Criteria 13 December 2019. Collection method: clinical testing. Allele origin: germline.
Comment: This variant was observed as part of a predisposition screen in an ostensibly healthy population. A literature search was performed for the gene, cDNA change, and amino acid change (where applicable). No publications were found based on this search. Allele frequency data from public databases was too high to be consistent with this variant causing disease. Therefore, this variant is classified as benign.

GeneDx
Classification: Benign. Last evaluated: 2016-06-28. Review status: criteria provided, single submitter. Criteria: GeneDx Variant Classification (06012015). Collection method: clinical testing. Allele origin: germline. Affected: yes.
Comment: This variant is considered likely benign or benign based on one or more of the following criteria: it is a conservative change, it occurs at a poorly conserved position in the protein, it is predicted to be benign by multiple in silico algorithms, and/or has population frequency not consistent with disease.

Eurofins Ntd Llc (ga)
Classification: Benign. Last evaluated: 2013-09-17. Review status: criteria provided, single submitter. Criteria: EGL Classification Definitions 2015. Collection method: clinical testing. Allele origin: germline. Observed: 3 variant alleles, 3 heterozygotes.

Breakthrough Genomics
Classification: Benign. Review status: criteria provided, single submitter. Criteria: ACMG Guidelines, 2015. Collection method: not provided. Allele origin: germline. Inheritance: Autosomal recessive inheritance. Affected: yes.

Natera, Inc.
Classification: Benign for Maple syrup urine disease type 1A. Last evaluated: 2020-09-16. Review status: no assertion criteria provided. Collection method: clinical testing. Allele origin: germline. Not counted in ClinVar's aggregate classification.

PreventionGenetics, part of Exact Sciences
Classification: Likely benign for BCKDHA-related condition. Last evaluated: 2019-09-26. Review status: no assertion criteria provided. Collection method: clinical testing. Allele origin: germline. Not counted in ClinVar's aggregate classification.
Comment: This variant is classified as likely benign based on ACMG/AMP sequence variant interpretation guidelines (Richards et al. 2015 PMID: 25741868, with internal and published modifications).